The following is an entry in ClinVar:

NM_024675.4(PALB2):c.3114-6T>C

Gene: PALB2 (partner and localizer of BRCA2; minus strand). Cytogenetic location: 16p12.2.
Variant type: single nucleotide variant.
Coding change: c.3114-6T>C on transcript NM_024675.4 (MANE Select); 6 bases into the intron before coding-DNA position 3114, T replaced by C.
Molecular consequence: intron variant.
Genome position (GRCh38, 1-based): chr16:23,614,097, A>G on the plus strand (T>C on the coding strand, the complement: PALB2 is on the minus strand). VCF-style: chr16-23614097-A-G. GRCh37 (hg19) VCF-style: chr16-23625418-A-G.
Identifiers: ClinVar variation 421067 (VCV000421067.14), dbSNP rs1064794886, ClinGen allele CA16620116.

ClinVar aggregate classification (germline): Conflicting classifications of pathogenicity. Review status: criteria provided, conflicting classifications (1 of 4 stars). 3 submissions from 3 submitters: Uncertain significance (1); Likely benign (2). Last evaluated 2025-01-21.

Conditions:
Familial cancer of breast. Also called: Hereditary breast cancer; BREAST CANCER, FAMILIAL; hereditary breast carcinoma. Identifiers: Orphanet 227535, MedGen C0346153, MONDO:0016419, OMIM 114480. Disease mechanism: loss of function.

Submissions (3):

Myriad Genetics, Inc.
Classification: Likely benign for Familial cancer of breast. Last evaluated: 2025-01-21. Review status: criteria provided, single submitter. Criteria: Myriad Autosomal Dominant, Autosomal Recessive and X-Linked Classification Criteria (2023). Collection method: clinical testing. Allele origin: unknown.
Comment: This variant is considered likely benign. This variant is intronic and is not expected to impact mRNA splicing.

Labcorp Genetics (formerly Invitae), Labcorp
Classification: Likely benign for Familial cancer of breast. Last evaluated: 2024-04-10. Review status: criteria provided, single submitter. Criteria: Invitae Variant Classification Sherloc (09022015). Collection method: clinical testing. Allele origin: germline.

GeneDx
Classification: Uncertain significance. Last evaluated: 2016-05-02. Review status: criteria provided, single submitter. Criteria: GeneDx Variant Classification (06012015). Collection method: clinical testing. Allele origin: germline. Affected: yes.
Comment: This variant is denoted PALB2 c.3114-6T>C or IVS10-6T>C and consists of a T>C nucleotide substitution at the -6 position of intron 10 of the PALB2 gene. This variant has not, to our knowledge, been published in the literature as pathogenic or benign. PALB2 c.3114-6T>C was not observed in approximately 6,500 individuals of European and African American ancestry in the NHLBI Exome Sequencing Project, suggesting it is not a common benign variant in these populations. The thymine (T) nucleotide that is altered is not conserved across species. In silico splicing models are uninformative. Based on currently available information, it is unclear whether PALB2 c.3114-6T>C is pathogenic or benign. We consider it to be a variant of uncertain significance.